The following is an entry in ClinVar:

NM_006118.4(HAX1):c.264C>A (p.Phe88Leu)

Gene: HAX1 (HCLS1 associated protein X-1; plus strand). Cytogenetic location: 1q21.3.
Variant type: single nucleotide variant.
Coding change: c.264C>A on transcript NM_006118.4 (MANE Select); coding-DNA position 264, C replaced by A.
Protein change: p.Phe88Leu; replaces phenylalanine 88 with leucine.
Molecular consequence: missense variant.
Genome position (GRCh38, 1-based): chr1:154,273,546, C>A. VCF-style: chr1-154273546-C-A. GRCh37 (hg19) VCF-style: chr1-154246022-C-A.
Other names: c.120C>A, p.Phe40Leu (NM_001018837.2); short protein forms F40L, F88L.
Identifiers: ClinVar variation 4621346 (VCV004621346.1).
Genomic context (GRCh38, chr1:154,273,546, plus strand): 5'-CCCAGGAGGAGGGATACGTTTCCACGATAACTTCGGCTTTGATGACCTAGTACGAGATTT[C>A]AATAGCATCTTCAGCGATATGGGGGCCTGGACCTTGCCTTCCCATCCTCCTGGTGTGTGG-3'
Protein context (NP_006109.2, residues 78-98): NFGFDDLVRD[Phe88Leu]NSIFSDMGAW

ClinVar aggregate classification (germline): Uncertain significance (1 of 4 stars; one submission).

Conditions:
Inborn genetic diseases. Identifiers: MedGen C0950123, MeSH D030342.

Submission:

Ambry Genetics
Classification: Uncertain significance for Inborn genetic diseases. Last evaluated: 2025-12-10. Review status: criteria provided, single submitter. Criteria: Ambry Variant Classification Scheme 2023. Collection method: clinical testing. Allele origin: germline.
Comment: The p.F88L variant (also known as c.264C>A), located in coding exon 2 of the HAX1 gene, results from a C to A substitution at nucleotide position 264. The phenylalanine at codon 88 is replaced by leucine, an amino acid with highly similar properties. This amino acid position is conserved. In addition, this alteration is predicted to be tolerated by in silico analysis. Based on the available evidence, the clinical significance of this variant remains unclear.